The following is an entry in ClinVar:

NM_003742.4(ABCB11):c.167C>G (p.Ser56Ter)

Gene: ABCB11 (ATP binding cassette subfamily B member 11; minus strand). Cytogenetic location: 2q31.1.
Variant type: single nucleotide variant.
Coding change: c.167C>G on transcript NM_003742.4 (MANE Select); coding-DNA position 167, C replaced by G.
Protein change: p.Ser56Ter; replaces serine 56 with a stop codon.
Molecular consequence: nonsense.
Genome position (GRCh38, 1-based): chr2:169,013,494, G>C on the plus strand (C>G on the coding strand, the complement: ABCB11 is on the minus strand). VCF-style: chr2-169013494-G-C. GRCh37 (hg19) VCF-style: chr2-169870004-G-C.
Other names: c.167C>G, p.Ser56Ter (LRG_1199t1); short protein forms S56*.
Identifiers: ClinVar variation 593338 (VCV000593338.6), dbSNP rs11568361, ClinGen allele CA349105872.

ClinVar aggregate classification (germline): Pathogenic/Likely pathogenic. Review status: criteria provided, multiple submitters, no conflicts (2 of 4 stars). 2 submissions from 2 submitters: Pathogenic (1); Likely pathogenic (1). Last evaluated 2024-12-01.

Conditions:
Progressive familial intrahepatic cholestasis type 2. Identifiers: Orphanet 79304, MedGen C3489789, MONDO:0011156, OMIM 601847.

Submissions (2):

Natera, Inc.
Classification: Likely pathogenic for Progressive familial intrahepatic cholestasis type 2. Last evaluated: 2024-12-01. Review status: criteria provided, single submitter. Criteria: Natera Variant Classification Schema (03/2026). Collection method: clinical testing. Allele origin: germline.
Comment: The c.167C>G variant in ABCB11 is a nonsense variant predicted to introduce a stop codon at amino acid 56. This variant is expected to result in nonsense mediated decay, truncation, or a dysfunctional protein product. This variant is rare in the general population with a frequency below the threshold expected for the associated phenotype(s). Given the available evidence, this variant is classified as Likely Pathogenic.

Eurofins Ntd Llc (ga)
Classification: Pathogenic. Last evaluated: 2017-07-20. Review status: criteria provided, single submitter. Criteria: EGL Classification Definitions 2015. Collection method: clinical testing. Allele origin: germline. Observed: 1 variant allele, 1 heterozygote.